The following is an entry in ClinVar:

ClinVar aggregate classification (germline): Pathogenic (1 of 4 stars; one submission).

Submission:

Labcorp Genetics (formerly Invitae), Labcorp
Classification: Pathogenic. Last evaluated: 2022-09-27. Review status: criteria provided, single submitter. Criteria: Invitae Variant Classification Sherloc (09022015). Collection method: clinical testing. Allele origin: germline.
Comment: This variant is a gross deletion of the genomic region encompassing exon(s) 1 of the CHM gene, which includes the initiator codon. This deletion extends beyond the assayed region for this gene and therefore may encompass additional genes. It is expected to result in an absent or disrupted protein product. Loss-of-function variants in CHM are known to be pathogenic (PMID: 9067750, 23811034). A similar copy number variant has been observed in individual(s) with choroideremia (PMID: 12827496, 19597113). For these reasons, this variant has been classified as Pathogenic.

Literature cited by the submitters: PubMed 9067750; PubMed 23811034; PubMed 12827496; PubMed 19597113.

NC_000023.10:g.(?_85302488)_(85302536_?)del

Gene: CHM (CHM Rab escort protein; minus strand). Cytogenetic location: Xq21.2.
Variant type: Deletion.
Identifiers: ClinVar variation 1071375 (VCV001071375.2).